The following is an entry in ClinVar:

NM_000092.5(COL4A4):c.3177del (p.Gly1060fs)

Gene: COL4A4 (collagen type IV alpha 4 chain; minus strand). Cytogenetic location: 2q36.3.
Variant type: Deletion.
Coding change: c.3177del on transcript NM_000092.5 (MANE Select); coding-DNA position 3177, one base deleted (T; older notation c.3177delT).
Protein change: p.Gly1060fs; shifts the reading frame from glycine 1060.
Molecular consequence: frameshift variant.
Genome position (GRCh38, 1-based): chr2:227,050,105, A deleted on the plus strand (T on the coding strand, the reverse complement: COL4A4 is on the minus strand). VCF-style (leftmost placement, unchanged base first): chr2-227050104-CA-C. GRCh37 (hg19) VCF-style: chr2-227914820-CA-C.
Other names: short protein forms G1060fs.
Identifiers: ClinVar variation 1725465 (VCV001725465.3), dbSNP rs2473939910, ClinGen allele CA2580065823.
Genomic context (GRCh38, chr2:227,050,104, plus strand): 5'-GGCTTCTGTATCTCCAAACCATACCTTTAGGTCCTCTTGCTCCATCAATTCCTGAAAATC[CA>C]GGGGGACCTGGAGAACCTGGCTCACCCTGACAGTTTAATGAAACAAAAGGCCTTAATCAG-3'

ClinVar aggregate classification (germline): Likely pathogenic. Review status: criteria provided, multiple submitters, no conflicts (2 of 4 stars). 2 submissions from 2 submitters: Likely pathogenic (2). Last evaluated 2024-05-02.

Conditions:
Autosomal recessive Alport syndrome (ATS2). Also called: COL4A3-Related Nephropathy; COL4A4 Alport Syndrome and Thin Basement Membrane Nephropathy; ALPORT SYNDROME 2, AUTOSOMAL RECESSIVE; Alport syndrome type 2. Identifiers: Orphanet 63, Orphanet 88919, MedGen C4746745, MONDO:0008762, OMIM 203780.
Hematuria, benign familial, 1 (BFH1). Also called: THIN MEMBRANE NEPHROPATHY. Identifiers: MedGen CN376803, MONDO:0007709, OMIM 141200.

Submissions (2):

Fulgent Genetics
Classification: Likely pathogenic for Hematuria, benign familial, 1; Autosomal recessive Alport syndrome. Last evaluated: 2024-05-02. Review status: criteria provided, single submitter. Criteria: ACMG Guidelines, 2015. Collection method: clinical testing. Allele origin: germline.

Myriad Genetics, Inc.
Classification: Likely pathogenic for Autosomal recessive Alport syndrome. Last evaluated: 2022-03-25. Review status: criteria provided, single submitter. Criteria: Myriad Women's Health Autosomal Recessive and X-Linked Classification Criteria (2021). Collection method: clinical testing. Allele origin: unknown.
Comment: NM_000092.4(COL4A4):c.3177delT(G1060Dfs*81) is expected to be pathogenic in the context of COL4A4-related Alport syndrome. This variant is predicted to lead to an abnormal or absent protein product due to the creation of a premature termination codon in COL4A4, a gene where loss-of-function variants are known to be pathogenic. Please note: this variant was assessed in the context of healthy population screening.